The following is an entry in ClinVar:

NM_022089.4(ATP13A2):c.841C>G (p.Gln281Glu)

Gene: ATP13A2 (ATPase cation transporting 13A2; minus strand). Cytogenetic location: 1p36.13.
Variant type: single nucleotide variant.
Coding change: c.841C>G on transcript NM_022089.4 (MANE Select); coding-DNA position 841, C replaced by G.
Protein change: p.Gln281Glu; replaces glutamine 281 with glutamic acid.
Molecular consequence: missense variant.
Genome position (GRCh38, 1-based): chr1:17,000,312, G>C on the plus strand (C>G on the coding strand, the complement: ATP13A2 is on the minus strand). VCF-style: chr1-17000312-G-C. GRCh37 (hg19) VCF-style: chr1-17326807-G-C.
Other names: c.841C>G (NM_022089.2); c.826C>G, p.Gln276Glu (NM_001141973.3, NM_001141974.3); short protein forms Q276E, Q281E.
Identifiers: ClinVar variation 1015312 (VCV001015312.6), dbSNP rs2077304764, ClinGen allele CA338257822.
Genomic context (GRCh38, chr1:17,000,312, plus strand): 5'-CTGGCCGGCACACGCACACCCGCATGGACAACTTGACCATGTCCCTTAGAGTCTGGCTTT[G>C]CTGTGGGCAGGGGACAAGAGGGCCGTGAGTGGGTGGGGGCCCCTGGGGACCCACCTGTCC-3'
Protein context (NP_071372.1, residues 271-291): ICLSLYKTRK[Gln281Glu]SQTLRDMVKL

ClinVar aggregate classification (germline): Uncertain significance. Review status: criteria provided, multiple submitters, no conflicts (2 of 4 stars). 2 submissions from 2 submitters: Uncertain significance (2). Last evaluated 2025-08-26.

Conditions:
Kufor-Rakeb syndrome (KRS). Also called: PARKINSON DISEASE 9, AUTOSOMAL RECESSIVE, JUVENILE-ONSET. Identifiers: Orphanet 306674, Orphanet 314632, MedGen C1847640, MONDO:0011706, OMIM 606693.
Autosomal recessive spastic paraplegia type 78. Identifiers: Orphanet 513436, MedGen C5567893, MONDO:0014975, OMIM 617225.
Inborn genetic diseases. Identifiers: MedGen C0950123, MeSH D030342.

Allele frequency attached by ClinVar (database versions not stated): TOPMed below 0.00001.

Submissions (2):

Ambry Genetics
Classification: Uncertain significance for Inborn genetic diseases. Last evaluated: 2025-08-26. Review status: criteria provided, single submitter. Criteria: Ambry Variant Classification Scheme 2023. Collection method: clinical testing. Allele origin: germline.

Labcorp Genetics (formerly Invitae), Labcorp
Classification: Uncertain significance for Kufor-Rakeb syndrome; Autosomal recessive spastic paraplegia type 78. Last evaluated: 2020-11-02. Review status: criteria provided, single submitter. Criteria: Invitae Variant Classification Sherloc (09022015). Collection method: clinical testing. Allele origin: germline.
Comment: This variant is not present in population databases (ExAC no frequency). This variant has not been reported in the literature in individuals with ATP13A2-related conditions. Algorithms developed to predict the effect of missense changes on protein structure and function are either unavailable or do not agree on the potential impact of this missense change (SIFT: "Tolerated"; PolyPhen-2: "Possibly Damaging"; Align-GVGD: "Class C0"). In summary, the available evidence is currently insufficient to determine the role of this variant in disease. Therefore, it has been classified as a Variant of Uncertain Significance. This sequence change replaces glutamine with glutamic acid at codon 281 of the ATP13A2 protein (p.Gln281Glu). The glutamine residue is moderately conserved and there is a small physicochemical difference between glutamine and glutamic acid.